The following is an entry in ClinVar:

ClinVar aggregate classification (germline): Uncertain significance (1 of 4 stars; one submission).

Allele frequency attached by ClinVar (database versions not stated): gnomAD exomes below 0.00001; gnomAD 0.00001; TOPMed 0.00002; ExAC 0.00003.
gnomAD v4.1: 6 of 1,609,174 alleles (0.00037%); highest among the groups gnomAD compares: Non-Finnish European, 0.00051%; no homozygotes.

Submission:

Labcorp Genetics (formerly Invitae), Labcorp
Classification: Uncertain significance. Last evaluated: 2023-08-22. Review status: criteria provided, single submitter. Criteria: Invitae Variant Classification Sherloc (09022015). Collection method: clinical testing. Allele origin: germline.
Comment: In summary, the available evidence is currently insufficient to determine the role of this variant in disease. Therefore, it has been classified as a Variant of Uncertain Significance. Advanced modeling of protein sequence and biophysical properties (such as structural, functional, and spatial information, amino acid conservation, physicochemical variation, residue mobility, and thermodynamic stability) has been performed at Invitae for this missense variant, however the output from this modeling did not meet the statistical confidence thresholds required to predict the impact of this variant on CYP24A1 protein function. ClinVar contains an entry for this variant (Variation ID: 1974478). This variant has not been reported in the literature in individuals affected with CYP24A1-related conditions. This variant is present in population databases (rs773653979, gnomAD 0.005%). This sequence change replaces valine, which is neutral and non-polar, with alanine, which is neutral and non-polar, at codon 107 of the CYP24A1 protein (p.Val107Ala).

NM_000782.5(CYP24A1):c.320T>C (p.Val107Ala)

Gene: CYP24A1 (cytochrome P450 family 24 subfamily A member 1; minus strand). Cytogenetic location: 20q13.2.
Variant type: single nucleotide variant.
Coding change: c.320T>C on transcript NM_000782.5 (MANE Select); coding-DNA position 320, T replaced by C.
Protein change: p.Val107Ala; replaces valine 107 with alanine.
Molecular consequence: missense variant.
Genome position (GRCh38, 1-based): chr20:54,173,038, A>G on the plus strand (T>C on the coding strand, the complement: CYP24A1 is on the minus strand). VCF-style: chr20-54173038-A-G. GRCh37 (hg19) VCF-style: chr20-52789577-A-G.
Other names: c.320T>C, p.Val107Ala (NM_001128915.2); short protein forms V107A.
Identifiers: ClinVar variation 1974478 (VCV001974478.5), dbSNP rs773653979, ClinGen allele CA9916213.